The following is an entry in ClinVar:

NM_006766.5(KAT6A):c.3487T>C (p.Trp1163Arg)

Gene: KAT6A (lysine acetyltransferase 6A; minus strand). Cytogenetic location: 8p11.21.
Variant type: single nucleotide variant.
Coding change: c.3487T>C on transcript NM_006766.5 (MANE Select); coding-DNA position 3487, T replaced by C.
Protein change: p.Trp1163Arg; replaces tryptophan 1163 with arginine.
Molecular consequence: missense variant.
Genome position (GRCh38, 1-based): chr8:41,934,733, A>G on the plus strand (T>C on the coding strand, the complement: KAT6A is on the minus strand). VCF-style: chr8-41934733-A-G. GRCh37 (hg19) VCF-style: chr8-41792251-A-G.
Other names: short protein forms W1163R.
Identifiers: ClinVar variation 4690026 (VCV004690026.1).

ClinVar aggregate classification (germline): Uncertain significance (1 of 4 stars; one submission).

Submission:

GeneDx
Classification: Uncertain significance. Last evaluated: 2025-07-27. Review status: criteria provided, single submitter. Criteria: GeneDx Variant Classification Process June 2021. Collection method: clinical testing. Allele origin: germline. Affected: yes.
Comment: Not observed at significant frequency in large population cohorts (gnomAD); In silico analysis supports that this missense variant has a deleterious effect on protein structure/function; Has not been previously published as pathogenic or benign to our knowledge